The following is an entry in ClinVar:

NM_001035.3(RYR2):c.11558-13T>G

Gene: RYR2 (ryanodine receptor 2; plus strand). Cytogenetic location: 1q43.
Variant type: single nucleotide variant.
Coding change: c.11558-13T>G on transcript NM_001035.3 (MANE Select); 13 bases into the intron before coding-DNA position 11558, T replaced by G.
Molecular consequence: intron variant.
Genome position (GRCh38, 1-based): chr1:237,771,999, T>G. VCF-style: chr1-237771999-T-G. GRCh37 (hg19) VCF-style: chr1-237935299-T-G.
Identifiers: ClinVar variation 919525 (VCV000919525.6), dbSNP rs1694310385, ClinGen allele CA913203414.

ClinVar aggregate classification (germline): Uncertain significance. Review status: criteria provided, multiple submitters, no conflicts (2 of 4 stars). 2 submissions from 2 submitters: Uncertain significance (2). Last evaluated 2023-12-13.

Conditions:
Catecholaminergic polymorphic ventricular tachycardia (CVPT). Also called: Catecholamine-induced polymorphic ventricular tachycardia. Identifiers: Orphanet 3286, MedGen C5574922, MONDO:0017990.
Cardiomyopathy (CMYO). Also called: Cardiomyopathies. Identifiers: Orphanet 167848, MedGen C0878544, MONDO:0004994, HP:0001638. Inheritance: Various modes of inheritance.

Allele frequency attached by ClinVar (database versions not stated): gnomAD exomes below 0.00001.
gnomAD v4.1: 1 of 1,448,810 alleles (0.000069%); highest among the groups gnomAD compares: Non-Finnish European, 0.000095%; no homozygotes.

Submissions (2):

All of Us Research Program, National Institutes of Health
Classification: Uncertain significance for Catecholaminergic polymorphic ventricular tachycardia. Last evaluated: 2023-12-13. Review status: criteria provided, single submitter. Criteria: ACMG Guidelines, 2015. Collection method: clinical testing. Allele origin: germline. Inheritance: Autosomal dominant inheritance. Observed: 1 variant allele, 1 heterozygote.
Comment: This variant causes a T to G nucleotide substitution at the -13 position of intron 85 of the RYR2 gene. To our knowledge, functional studies have not been reported for this variant. This variant has not been reported in individuals affected with RYR2-related disorders in the literature. This variant has not been identified in the general population by the Genome Aggregation Database (gnomAD). The available evidence is insufficient to determine the role of this variant in disease conclusively. Therefore, this variant is classified as a Variant of Uncertain Significance.

This study involves interpretation of variants in research participants for the purpose of population health screening. Participant phenotype was not available at the time of variant classification. Additional details can be found in publication PMID: 35346344, PMCID: PMC8962531

Color Diagnostics, LLC DBA Color Health
Classification: Uncertain significance for Cardiomyopathy. Last evaluated: 2023-11-17. Review status: criteria provided, single submitter. Criteria: ACMG Guidelines, 2015. Collection method: clinical testing. Allele origin: germline.
Comment: This variant causes a T to G nucleotide substitution at the -13 position of intron 85 of the RYR2 gene. To our knowledge, functional studies have not been reported for this variant. This variant has not been reported in individuals affected with RYR2-related disorders in the literature. This variant has not been identified in the general population by the Genome Aggregation Database (gnomAD). The available evidence is insufficient to determine the role of this variant in disease conclusively. Therefore, this variant is classified as a Variant of Uncertain Significance.